The following is an entry in ClinVar:

NM_032444.4(SLX4):c.2748C>T (p.Ala916=)

Gene: SLX4 (SLX4 structure-specific endonuclease subunit; minus strand). Cytogenetic location: 16p13.3.
Variant type: single nucleotide variant.
Coding change: c.2748C>T on transcript NM_032444.4 (MANE Select); coding-DNA position 2748, C replaced by T.
Protein change: p.Ala916=; no amino-acid change (alanine 916 retained).
Molecular consequence: synonymous variant.
Genome position (GRCh38, 1-based): chr16:3,590,890, G>A on the plus strand (C>T on the coding strand, the complement: SLX4 is on the minus strand). VCF-style: chr16-3590890-G-A. GRCh37 (hg19) VCF-style: chr16-3640891-G-A.
Other names: c.2748C>T (LRG_503t1).
Identifiers: ClinVar variation 241675 (VCV000241675.13), dbSNP rs374815885, ClinGen allele CA10583393.

ClinVar aggregate classification (germline): Likely benign. Review status: criteria provided, multiple submitters, no conflicts (2 of 4 stars). 2 submissions from 2 submitters: Likely benign (2). Last evaluated 2026-01-11.

Conditions:
Fanconi anemia (FA). Also called: Fanconi's anemia. Identifiers: Orphanet 84, MedGen C0015625, MeSH D005199, MONDO:0019391.

Allele frequency attached by ClinVar (database versions not stated): TOPMed 0.00002; ESP Exome Variant Server 0.00008.
gnomAD v4.1: 17 of 1,613,890 alleles (0.0011%); highest among the groups gnomAD compares: East Asian, 0.0045%; no homozygotes.

Submissions (2):

Labcorp Genetics (formerly Invitae), Labcorp
Classification: Likely benign for Fanconi anemia. Last evaluated: 2026-01-11. Review status: criteria provided, single submitter. Criteria: Invitae Variant Classification Sherloc (09022015). Collection method: clinical testing. Allele origin: germline.

CeGaT Center for Human Genetics Tuebingen
Classification: Likely benign. Last evaluated: 2025-12-01. Review status: criteria provided, single submitter. Criteria: CeGaT Center For Human Genetics Tuebingen Variant Classification Criteria Version 2. Collection method: clinical testing. Allele origin: germline. Affected: yes. Observed: 1 variant allele.
Comment: SLX4: BP4, BP7